The following is an entry in ClinVar:

NM_000246.4(CIITA):c.635dup (p.Ser213fs)

Gene: CIITA (class II major histocompatibility complex transactivator; plus strand). Cytogenetic location: 16p13.13.
Variant type: Duplication.
Coding change: c.635dup on transcript NM_000246.4 (MANE Select); coding-DNA position 635, one base duplicated (T; older notation c.635dupT).
Protein change: p.Ser213fs; shifts the reading frame from serine 213.
Molecular consequence: frameshift variant. On other transcripts: non-coding transcript variant (1).
Genome position (GRCh38, 1-based): chr16:10,902,664, T duplicated; the last of 3 consecutive T bases (chr16:10,902,662-10,902,664); duplicating any one gives the same sequence. VCF-style (leftmost placement, unchanged base first): chr16-10902661-C-CT. GRCh37 (hg19) VCF-style: chr16-10996518-C-CT.
Other names: c.638dup, p.Ser214fs (NM_001286402.1, NM_001379332.1); c.488dup, p.Ser164fs (NM_001286403.2, NM_001379331.1); c.491dup, p.Ser165fs (NM_001379330.1); c.635dup, p.Ser213fs (NM_001379333.1); c.566dup, p.Ser190fs (NM_001379334.1); short protein forms S190fs, S213fs, S214fs, S164fs, S165fs.
Identifiers: ClinVar variation 4721214 (VCV004721214.1).

ClinVar aggregate classification (germline): Pathogenic (1 of 4 stars; one submission).

Conditions:
MHC class II deficiency. Also called: BLS, TYPE II; Bare lymphocyte syndrome 2. Identifiers: Orphanet 572, MedGen C5447452, MONDO:0008855.

Submission:

Labcorp Genetics (formerly Invitae), Labcorp
Classification: Pathogenic for MHC class II deficiency. Last evaluated: 2025-06-23. Review status: criteria provided, single submitter. Criteria: Invitae Variant Classification Sherloc (09022015). Collection method: clinical testing. Allele origin: germline.
Comment: This sequence change creates a premature translational stop signal (p.Ser213Leufs*12) in the CIITA gene. It is expected to result in an absent or disrupted protein product. Loss-of-function variants in CIITA are known to be pathogenic (PMID: 8402893, 9099848, 26271388). This variant is not present in population databases (gnomAD no frequency). This variant has not been reported in the literature in individuals affected with CIITA-related conditions. For these reasons, this variant has been classified as Pathogenic.

Literature cited by the submitters: PubMed 8402893; PubMed 9099848; PubMed 26271388.